The following is an entry in ClinVar:

ClinVar aggregate classification (germline): Benign. Review status: criteria provided, multiple submitters, no conflicts (2 of 4 stars). 2 submissions from 2 submitters: Benign (2). Last evaluated 2026-07-01.

Conditions:
Glycogen storage disease, type II (IOPD). Also called: CARDIOMEGALIA GLYCOGENICA DIFFUSA; GLYCOGENOSIS, GENERALIZED, CARDIAC FORM; GSD II; POMPE DISEASE, INFANTILE-ONSET; GLYCOGEN STORAGE DISEASE II, INFANTILE-ONSET; ACID ALPHA-GLUCOSIDASE DEFICIENCY, INFANTILE-ONSET. Identifiers: Orphanet 365, MedGen C0017921, MONDO:0009290, OMIM 232300.

Allele frequency attached by ClinVar (database versions not stated): gnomAD 0.02391 and 0.02435; TOPMed 0.02649; 1000 Genomes Project 30x 0.03670; 1000 Genomes Project 0.03674.

Submissions (2):

Genomenon, Inc
Classification: Benign for Glycogen storage disease, type II. Last evaluated: 2026-07-01. Review status: criteria provided, single submitter. Criteria: Genomenon Sequence Variant Interpretation Standards - Updated. Collection method: curation. Allele origin: germline. Affected: no.
Comment: GAA c.-338C>G is a variant located in the 5′ untranslated region (5′ UTR). This variant is present at high allele frequency in population databases. We classify GAA c.-338C>G as a benign variant.

GeneDx
Classification: Benign. Last evaluated: 2021-05-12. Review status: criteria provided, single submitter. Criteria: GeneDx Variant Classification Process June 2021. Collection method: clinical testing. Allele origin: germline. Affected: yes.

NM_000152.5(GAA):c.-338C>G

Genes: GAA (alpha glucosidase; plus strand), LOC130061897 (ATAC-STARR-seq lymphoblastoid silent region 9099; plus strand). Cytogenetic location: 17q25.3.
Variant type: single nucleotide variant.
Coding change: c.-338C>G on transcript NM_000152.5 (MANE Select); 338 bases upstream of the start codon, C replaced by G.
Molecular consequence: 5 prime UTR variant. On other transcripts: non-coding transcript variant (1).
Genome position (GRCh38, 1-based): chr17:80,101,585, C>G. VCF-style: chr17-80101585-C-G. GRCh37 (hg19) VCF-style: chr17-78075384-C-G.
Other names: c.-338C>G (LRG_673t1); c.-153C>G (NM_001079803.3); c.-73C>G (NM_001079804.3).
Identifiers: ClinVar variation 325767 (VCV000325767.6), dbSNP rs144639114, ClinGen allele CA10647034.